The following is an entry in ClinVar:

ClinVar aggregate classification (germline): Pathogenic (1 of 4 stars; one submission).

Conditions:
Rhizomelic chondrodysplasia punctata type 3 (RCDP3). Also called: ALKYLDIHYDROXYACETONEPHOSPHATE SYNTHASE DEFICIENCY; Alkylglycerone Phosphate Synthase (AGPS) deficiency. Identifiers: Orphanet 177, Orphanet 309803, MedGen C1838612, MONDO:0010823, OMIM 600121. Disease mechanism: loss of function.

Submission:

3billion
Classification: Pathogenic for Rhizomelic chondrodysplasia punctata type 3. Last evaluated: 2024-12-12. Review status: criteria provided, single submitter. Criteria: ACMG Guidelines, 2015. Collection method: clinical testing. Allele origin: germline. Affected: yes.
Comment: The variant is not observed in the gnomAD v4.1.0 dataset. Predicted Consequence/Location: Frameshift: predicted to result in a loss or disruption of normal protein function through nonsense-mediated decay (NMD) or protein truncation. Multiple pathogenic variants are reported downstream of the variant. Therefore, this variant is classified as Pathogenic according to the recommendation of ACMG/AMP guideline.

NM_003659.4(AGPS):c.1736dup (p.Tyr580fs)

Gene: AGPS (alkylglycerone phosphate synthase; plus strand). Cytogenetic location: 2q31.2.
Variant type: Duplication.
Coding change: c.1736dup on transcript NM_003659.4 (MANE Select); coding-DNA position 1736, one base duplicated (T; older notation c.1736dupT).
Protein change: p.Tyr580fs; shifts the reading frame from tyrosine 580.
Molecular consequence: frameshift variant.
Genome position (GRCh38, 1-based): chr2:177,521,307, T duplicated; the last of 2 consecutive T bases (chr2:177,521,306-177,521,307); duplicating either gives the same sequence. VCF-style (leftmost placement, unchanged base first): chr2-177521305-C-CT. GRCh37 (hg19) VCF-style: chr2-178386033-C-CT.
Other names: short protein forms Y580fs.
Identifiers: ClinVar variation 4292606 (VCV004292606.1).